The following is an entry in ClinVar:

ClinVar aggregate classification (germline): Conflicting classifications of pathogenicity. Review status: criteria provided, conflicting classifications (1 of 4 stars). 10 submissions from 9 submitters: Uncertain significance (4); Benign (1); Likely benign (2). 3 of the submissions do not count toward it. Last evaluated 2025-02-03.

Conditions:
FH-related disorder. Also called: FH-related condition; FH-related disorders.
Hereditary cancer-predisposing syndrome. Also called: Tumor predisposition; Hereditary neoplastic syndrome; Neoplastic Syndromes, Hereditary; Hereditary Cancer Syndrome. Identifiers: Orphanet 140162, MedGen C0027672, MeSH D009386, MONDO:0015356.
Hereditary leiomyomatosis and renal cell cancer. Also called: FH tumor predisposition syndrome; LEIOMYOMA, MULTIPLE CUTANEOUS; Multiple cutaneous leiomyomas; MULTIPLE CUTANEOUS AND UTERINE LEIOMYOMATA 1, WITH OR WITHOUT RENAL CELL CARCINOMA; Reed syndrome; Multiple cutaneous and uterine leiomyomatosis. Identifiers: Orphanet 523, MedGen C1708350, MONDO:0007888, OMIM 150800, HP:0007437. Disease mechanism: loss of function.
Fumarase deficiency (FMRD). Also called: Fumarate Hydratase Deficiency; Fumaric aciduria. Identifiers: Orphanet 24, MedGen C0342770, MONDO:0011730, OMIM 606812.

Allele frequency attached by ClinVar (database versions not stated): gnomAD exomes 0.00002; gnomAD 0.00003 and 0.00004; TOPMed 0.00006.
gnomAD v4.1: 43 of 1,613,804 alleles (0.0027%); highest among the groups gnomAD compares: East Asian, 0.085%; no homozygotes.

Submissions (10):

Labcorp Genetics (formerly Invitae), Labcorp
Classification: Uncertain significance. Last evaluated: 2025-02-03. Review status: criteria provided, single submitter. Criteria: Invitae Variant Classification Sherloc (09022015). Collection method: clinical testing. Allele origin: germline.
Comment: This sequence change replaces threonine, which is neutral and polar, with arginine, which is basic and polar, at codon 474 of the FH protein (p.Thr474Arg). This variant is present in population databases (rs369802820, gnomAD 0.2%). This variant has not been reported in the literature in individuals affected with FH-related conditions. ClinVar contains an entry for this variant (Variation ID: 41585). Invitae Evidence Modeling of protein sequence and biophysical properties (such as structural, functional, and spatial information, amino acid conservation, physicochemical variation, residue mobility, and thermodynamic stability) has been performed for this missense variant. However, the output from this modeling did not meet the statistical confidence thresholds required to predict the impact of this variant on FH protein function. In summary, the available evidence is currently insufficient to determine the role of this variant in disease. Therefore, it has been classified as a Variant of Uncertain Significance.

Myriad Genetics, Inc.
Classification: Likely benign for Hereditary leiomyomatosis and renal cell cancer. Last evaluated: 2024-08-26. Review status: criteria provided, single submitter. Criteria: Myriad Autosomal Dominant, Autosomal Recessive and X-Linked Classification Criteria (2023). Collection method: clinical testing. Allele origin: unknown.
Comment: This variant is considered likely benign. This variant has been observed at a population frequency that is significantly greater than expected given the associated disease prevalence and penetrance.

GeneDx
Classification: Uncertain significance. Last evaluated: 2023-08-14. Review status: criteria provided, single submitter. Criteria: GeneDx Variant Classification Process June 2021. Collection method: clinical testing. Allele origin: germline. Affected: yes.
Comment: Observed in 1/572 individuals with atherosclerosis undergoing whole exome sequencing with no specific information about cancer history (PMID: 22703879); In silico analysis supports that this missense variant does not alter protein structure/function; This variant is associated with the following publications: (PMID: 36773955, 22703879)

Baylor Genetics
Classification: Uncertain significance for Fumarase deficiency. Last evaluated: 2023-01-01. Review status: criteria provided, single submitter. Criteria: ACMG Guidelines, 2015. Collection method: clinical testing. Allele origin: unknown.

Ambry Genetics
Classification: Likely benign for Hereditary cancer-predisposing syndrome. Last evaluated: 2020-10-05. Review status: criteria provided, single submitter. Criteria: Ambry Variant Classification Scheme 2023. Collection method: clinical testing. Allele origin: germline.

Illumina Laboratory Services, Illumina
Classification: Benign for Hereditary leiomyomatosis and renal cell cancer. Last evaluated: 2018-01-13. Review status: criteria provided, single submitter. Criteria: ICSL Variant Classification Criteria 13 December 2019. Collection method: clinical testing. Allele origin: germline.
Comment: This variant was observed in the ICSL laboratory as part of a predisposition screen in an ostensibly healthy population. It had not been previously curated by ICSL or reported in the Human Gene Mutation Database (HGMD: prior to June 1st, 2018), and was therefore a candidate for classification through an automated scoring system. Utilizing variant allele frequency, disease prevalence and penetrance estimates, and inheritance mode, an automated score was calculated to assess if this variant is too frequent to cause the disease. Based on the score and internal cut-off values, a variant classified as benign is not then subjected to further curation. The score for this variant resulted in a classification of benign for this disease.

Illumina Laboratory Services, Illumina
Classification: Uncertain significance for Fumarase deficiency. Last evaluated: 2018-01-13. Review status: criteria provided, single submitter. Criteria: ICSL Variant Classification Criteria 13 December 2019. Collection method: clinical testing. Allele origin: germline.

PreventionGenetics, part of Exact Sciences
Classification: Likely benign for FH-related condition. Last evaluated: 2024-02-21. Review status: no assertion criteria provided. Collection method: clinical testing. Allele origin: germline. Not counted in ClinVar's aggregate classification.
Comment: This variant is classified as likely benign based on ACMG/AMP sequence variant interpretation guidelines (Richards et al. 2015 PMID: 25741868, with internal and published modifications).

Natera, Inc.
Classification: Uncertain significance for Fumarase deficiency. Last evaluated: 2020-09-16. Review status: no assertion criteria provided. Collection method: clinical testing. Allele origin: germline. Not counted in ClinVar's aggregate classification.

Biesecker Lab/Clinical Genomics Section, National Institutes of Health
Classification: Uncertain significance. Last evaluated: 2012-07-13. Review status: no assertion criteria provided. Collection method: research. Allele origin: germline. Affected: no. Observed: 1 variant allele. Study: ClinSeq. Not counted in ClinVar's aggregate classification.
ClinVar note: Converted during submission from variant of unknown significance to Uncertain significance.

NM_000143.4(FH):c.1421C>G (p.Thr474Arg)

Gene: FH (fumarate hydratase; minus strand). Cytogenetic location: 1q43.
Variant type: single nucleotide variant.
Coding change: c.1421C>G on transcript NM_000143.4 (MANE Select); coding-DNA position 1421, C replaced by G.
Protein change: p.Thr474Arg; replaces threonine 474 with arginine.
Molecular consequence: missense variant.
Genome position (GRCh38, 1-based): chr1:241,497,940, G>C on the plus strand (C>G on the coding strand, the complement: FH is on the minus strand). VCF-style: chr1-241497940-G-C. GRCh37 (hg19) VCF-style: chr1-241661240-G-C.
Other names: short protein forms T474R.
Identifiers: ClinVar variation 41585 (VCV000041585.25), dbSNP rs369802820, ClinGen allele CA215566.